The following is an entry in ClinVar:

ClinVar aggregate classification (germline): Uncertain significance. Review status: criteria provided, multiple submitters, no conflicts (2 of 4 stars). 2 submissions from 2 submitters: Uncertain significance (2). Last evaluated 2024-06-16.

Conditions:
Hereditary cancer-predisposing syndrome. Also called: Neoplastic Syndromes, Hereditary; Tumor predisposition; Hereditary Cancer Syndrome; Hereditary neoplastic syndrome. Identifiers: Orphanet 140162, MedGen C0027672, MeSH D009386, MONDO:0015356.
Gorlin syndrome. Also called: Nevoid Basal Cell Carcinoma Syndrome; Basal cell nevus syndrome. Identifiers: Orphanet 377, MedGen C0004779, MONDO:0007187.

gnomAD v4.1: 5 of 1,613,266 alleles (0.00031%); highest among the groups gnomAD compares: Non-Finnish European, 0.00042%; no homozygotes.

Submissions (2):

Ambry Genetics
Classification: Uncertain significance for Hereditary cancer-predisposing syndrome. Last evaluated: 2024-06-16. Review status: criteria provided, single submitter. Criteria: Ambry Variant Classification Scheme 2023. Collection method: clinical testing. Allele origin: germline.
Comment: The p.P1314A variant (also known as c.3940C>G), located in coding exon 23 of the PTCH1 gene, results from a C to G substitution at nucleotide position 3940. The proline at codon 1314 is replaced by alanine, an amino acid with highly similar properties. This amino acid position is highly conserved in available vertebrate species. In addition, the in silico prediction for this alteration is inconclusive. Since supporting evidence is limited at this time, the clinical significance of this alteration remains unclear.

Labcorp Genetics (formerly Invitae), Labcorp
Classification: Uncertain significance for Gorlin syndrome. Last evaluated: 2023-10-30. Review status: criteria provided, single submitter. Criteria: Invitae Variant Classification Sherloc (09022015). Collection method: clinical testing. Allele origin: germline.
Comment: This sequence change replaces proline, which is neutral and non-polar, with alanine, which is neutral and non-polar, at codon 1314 of the PTCH1 protein (p.Pro1314Ala). This variant is not present in population databases (gnomAD no frequency). This variant has not been reported in the literature in individuals affected with PTCH1-related conditions. ClinVar contains an entry for this variant (Variation ID: 1736353). Advanced modeling of protein sequence and biophysical properties (such as structural, functional, and spatial information, amino acid conservation, physicochemical variation, residue mobility, and thermodynamic stability) performed at Invitae indicates that this missense variant is not expected to disrupt PTCH1 protein function with a negative predictive value of 95%. In summary, the available evidence is currently insufficient to determine the role of this variant in disease. Therefore, it has been classified as a Variant of Uncertain Significance.

NM_000264.5(PTCH1):c.3940C>G (p.Pro1314Ala)

Gene: PTCH1 (patched 1; minus strand). Cytogenetic location: 9q22.32.
Variant type: single nucleotide variant.
Coding change: c.3940C>G on transcript NM_000264.5 (MANE Select); coding-DNA position 3940, C replaced by G.
Protein change: p.Pro1314Ala; replaces proline 1314 with alanine.
Molecular consequence: missense variant. On other transcripts: non-coding transcript variant (1).
Genome position (GRCh38, 1-based): chr9:95,447,316, G>C on the plus strand (C>G on the coding strand, the complement: PTCH1 is on the minus strand). VCF-style: chr9-95447316-G-C. GRCh37 (hg19) VCF-style: chr9-98209598-G-C.
Other names: c.3742C>G, p.Pro1248Ala (NM_001083602.3); c.3937C>G, p.Pro1313Ala (NM_001083603.3); c.3487C>G, p.Pro1163Ala (NM_001083604.3, NM_001083605.3, NM_001083606.3 and 1 more transcripts); c.3784C>G, p.Pro1262Ala (NM_001354918.2); short protein forms P1163A, P1248A, P1262A, P1313A, P1314A.
Identifiers: ClinVar variation 1736353 (VCV001736353.6), dbSNP rs574856671, ClinGen allele CA374110624.